The following is an entry in ClinVar:

NM_003743.5(NCOA1):c.3705A>G (p.Ala1235=)

Gene: NCOA1 (nuclear receptor coactivator 1; plus strand). Cytogenetic location: 2p23.3.
Variant type: single nucleotide variant.
Coding change: c.3705A>G on transcript NM_003743.5 (MANE Select); coding-DNA position 3705, A replaced by G.
Protein change: p.Ala1235=; no amino-acid change (alanine 1235 retained).
Molecular consequence: synonymous variant.
Genome position (GRCh38, 1-based): chr2:24,742,185, A>G. VCF-style: chr2-24742185-A-G. GRCh37 (hg19) VCF-style: chr2-24965054-A-G.
Other names: c.3705A>G, p.Ala1235= (NM_001362950.1, NM_001362952.1, NM_001362954.1 and 3 more transcripts).
Identifiers: ClinVar variation 4988407 (VCV004988407.1).

ClinVar aggregate classification (germline): Uncertain significance (1 of 4 stars; one submission).

Conditions:
NCOA1-related disorder. Also called: NCOA1-related condition.

gnomAD v4.1: 1 of 1,606,216 alleles (0.000062%); highest among the groups gnomAD compares: African/African-American, 0.0013%; no homozygotes.

Submission:

PreventionGenetics, part of Exact Sciences
Classification: Uncertain significance for NCOA1-related condition. Last evaluated: 2025-05-21. Review status: criteria provided, single submitter. Criteria: ACMG Guidelines, 2015. Collection method: clinical testing. Allele origin: germline.
Comment: The NCOA1 c.3705A>G variant is not predicted to result in an amino acid change (p.=). To our knowledge, this variant has not been reported in the literature or in a large population database (gnomAD), indicating this variant is rare. This variant is predicted to alter splicing based on available splicing prediction programs (SpliceAI, Jaganathan et al. 2019. PubMed ID: 30661751). However, the use of computer prediction programs is not equivalent to functional evidence. At this time, the clinical significance of this variant is uncertain due to the absence of conclusive functional and genetic evidence.